The following is an entry in ClinVar:

NM_007294.4(BRCA1):c.81-3T>G

Gene: BRCA1 (BRCA1 DNA repair associated; minus strand). Cytogenetic location: 17q21.31.
Variant type: single nucleotide variant.
Coding change: c.81-3T>G on transcript NM_007294.4 (MANE Select); 3 bases into the intron before coding-DNA position 81, T replaced by G.
Molecular consequence: intron variant.
Genome position (GRCh38, 1-based): chr17:43,115,782, A>C on the plus strand (T>G on the coding strand, the complement: BRCA1 is on the minus strand). VCF-style: chr17-43115782-A-C. GRCh37 (hg19) VCF-style: chr17-41267799-A-C.
Other names: c.81-3T>G (NM_001408434.1, NM_001407672.1, NM_001408398.1 and 191 more transcripts); c.-108-3T>G (NM_001407917.1, NM_001407956.1, NM_001407897.1 and 52 more transcripts); c.-61-3T>G (NM_001408462.1, NM_001407697.1, NM_001407838.1 and 47 more transcripts); c.-55+8235T>G (NM_001407902.1, NM_001407898.1, NM_001407881.1); c.-177-3T>G (NM_001407724.1, NM_001407746.1, NM_001408468.1 and 13 more transcripts); c.-219+9495T>G (NM_001407967.1); c.-170+9495T>G (NM_001407959.1); c.-7-9249T>G (NM_001407931.1, NM_001407747.1, NM_001408511.1 and 2 more transcripts); and 10 more.
Identifiers: ClinVar variation 865090 (VCV000865090.3), dbSNP rs2055265076, ClinGen allele CA916081028.

Conditions:
Breast-ovarian cancer, familial, susceptibility to, 1 (BROVCA1). Also called: BRCA1 Hereditary Breast and Ovarian Cancer; OVARIAN CANCER, SUSCEPTIBILITY TO. Identifiers: Orphanet 145, MedGen C2676676, MONDO:0011450, OMIM 604370. Disease mechanism: loss of function.

Submission:

Brotman Baty Institute, University of Washington
No classification provided (evidence only). Condition: Breast-ovarian cancer, familial 1. Review status: no classification provided. Collection method: in vitro. Allele origin: not applicable. Functional consequence: functionally_normal.
ClinVar note: "not provided" was previously submitted as the classification for the variant. However, the classification appeared to be based only on an observation of functional data so it was converted to no classification on 2025-07-30.